The following is an entry in ClinVar:

ClinVar aggregate classification (germline): Benign/Likely benign. Review status: criteria provided, multiple submitters, no conflicts (2 of 4 stars). 6 submissions from 6 submitters: Benign (2); Likely benign (2). 2 of the submissions do not count toward it. Last evaluated 2026-02-04.

Conditions:
Hereditary diffuse gastric adenocarcinoma (HDGC). Also called: DIFFUSE GASTRIC AND LOBULAR BREAST CANCER SYNDROME. Identifiers: Orphanet 26106, MedGen C1708349, MONDO:0007648, OMIM 137215.

Allele frequency attached by ClinVar (database versions not stated): 1000 Genomes Project 30x 0.00078; 1000 Genomes Project 0.00080; TOPMed 0.00202; gnomAD 0.00236 and 0.00254; gnomAD exomes 0.00266 and 0.00341; ESP Exome Variant Server 0.00300; ExAC 0.00312.
gnomAD v4.1: 5,285 of 1,612,512 alleles (0.33%); highest among the groups gnomAD compares: Non-Finnish European, 0.4%; 10 homozygotes.

Submissions (6):

Labcorp Genetics (formerly Invitae), Labcorp
Classification: Benign. Last evaluated: 2026-02-04. Review status: criteria provided, single submitter. Criteria: Invitae Variant Classification Sherloc (09022015). Collection method: clinical testing. Allele origin: germline.

Center for Genomic Medicine, Rigshospitalet, Copenhagen University Hospital
Classification: Likely benign. Last evaluated: 2025-03-04. Review status: criteria provided, single submitter. Criteria: ACMG Guidelines, 2015. Collection method: clinical testing. Allele origin: germline.

Blueprint Genetics
Classification: Likely benign. Last evaluated: 2024-11-11. Review status: criteria provided, single submitter. Criteria: ACMG Guidelines, 2015. Collection method: clinical testing. Allele origin: germline.

Myriad Genetics, Inc.
Classification: Benign for Hereditary diffuse gastric adenocarcinoma. Last evaluated: 2024-10-14. Review status: criteria provided, single submitter. Criteria: Myriad Autosomal Dominant, Autosomal Recessive and X-Linked Classification Criteria (2023). Collection method: clinical testing. Allele origin: unknown.
Comment: This variant is considered benign. This variant is intronic and is not expected to impact mRNA splicing. This variant has been observed at a population frequency that is significantly greater than expected given the associated disease prevalence and penetrance.

Clinical Genetics, Academic Medical Center
Classification: Benign. Review status: no assertion criteria provided. Collection method: clinical testing. Allele origin: germline. Affected: yes. Study: VKGL Data-share Consensus. Not counted in ClinVar's aggregate classification.

Diagnostic Laboratory, Department of Genetics, University Medical Center Groningen
Classification: Likely benign. Review status: no assertion criteria provided. Collection method: clinical testing. Allele origin: germline. Affected: yes. Study: VKGL Data-share Consensus. Not counted in ClinVar's aggregate classification.

NM_001903.5(CTNNA1):c.1748-16G>C

Gene: CTNNA1 (catenin alpha 1; plus strand). Cytogenetic location: 5q31.2.
Variant type: single nucleotide variant.
Coding change: c.1748-16G>C on transcript NM_001903.5 (MANE Select); 16 bases into the intron before coding-DNA position 1748, G replaced by C.
Molecular consequence: intron variant.
Genome position (GRCh38, 1-based): chr5:138,925,240, G>C. VCF-style: chr5-138925240-G-C. GRCh37 (hg19) VCF-style: chr5-138260929-G-C.
Other names: c.1748-16G>C (NM_001323982.2, NM_001323984.2, NM_001290307.3 and 2 more transcripts); c.1655-16G>C (NM_001323986.2); c.1379-16G>C (NM_001290310.3); c.1439-16G>C (NM_001290309.3); c.638-16G>C (NM_001323996.1, NM_001323993.1, NM_001324005.1 and 17 more transcripts); c.299-16G>C (NM_001324007.1, NM_001324009.1, NM_001324006.1 and 2 more transcripts); c.395-16G>C (NM_001324013.1, NM_001324012.1); c.545-16G>C (NM_001324011.1).
Identifiers: ClinVar variation 1164171 (VCV001164171.15), dbSNP rs187293176, ClinGen allele CA3432027.